The following is an entry in ClinVar:

ClinVar aggregate classification (germline): Uncertain significance. Review status: criteria provided, multiple submitters, no conflicts (2 of 4 stars). 2 submissions from 2 submitters: Uncertain significance (2). Last evaluated 2024-08-28.

Conditions:
Dilated cardiomyopathy 1KK (CMD1KK). Identifiers: Orphanet 154, Orphanet 75249, MedGen C3714995, MONDO:0014100, OMIM 615248.
Cardiovascular phenotype. Identifiers: MedGen CN230736.

gnomAD v4.1: 11 of 1,614,164 alleles (0.00068%); highest among the groups gnomAD compares: Non-Finnish European, 0.00068%; no homozygotes.

Submissions (2):

Ambry Genetics
Classification: Uncertain significance for Cardiovascular phenotype. Last evaluated: 2024-08-28. Review status: criteria provided, single submitter. Criteria: Ambry Variant Classification Scheme 2023. Collection method: clinical testing. Allele origin: germline.
Comment: The p.I943M variant (also known as c.2829T>G), located in coding exon 12 of the MYPN gene, results from a T to G substitution at nucleotide position 2829. The isoleucine at codon 943 is replaced by methionine, an amino acid with highly similar properties. This amino acid position is conserved. In addition, this alteration is predicted to be tolerated by in silico analysis. Based on the available evidence, the clinical significance of this variant remains unclear.

Labcorp Genetics (formerly Invitae), Labcorp
Classification: Uncertain significance for Dilated cardiomyopathy 1KK. Last evaluated: 2020-08-23. Review status: criteria provided, single submitter. Criteria: Invitae Variant Classification Sherloc (09022015). Collection method: clinical testing. Allele origin: germline.
Comment: This sequence change replaces isoleucine with methionine at codon 943 of the MYPN protein (p.Ile943Met). The isoleucine residue is highly conserved and there is a small physicochemical difference between isoleucine and methionine. This variant is not present in population databases (ExAC no frequency). This variant has not been reported in the literature in individuals with MYPN-related conditions. Algorithms developed to predict the effect of missense changes on protein structure and function are either unavailable or do not agree on the potential impact of this missense change (SIFT: "Deleterious"; PolyPhen-2: "Possibly Damaging"; Align-GVGD: "Class C0"). In summary, the available evidence is currently insufficient to determine the role of this variant in disease. Therefore, it has been classified as a Variant of Uncertain Significance.

NM_032578.4(MYPN):c.2829T>G (p.Ile943Met)

Gene: MYPN (myopalladin; plus strand). Cytogenetic location: 10q21.3.
Variant type: single nucleotide variant.
Coding change: c.2829T>G on transcript NM_032578.4 (MANE Select); coding-DNA position 2829, T replaced by G.
Protein change: p.Ile943Met; replaces isoleucine 943 with methionine.
Molecular consequence: missense variant. On other transcripts: non-coding transcript variant (2).
Genome position (GRCh38, 1-based): chr10:68,189,030, T>G. VCF-style: chr10-68189030-T-G. GRCh37 (hg19) VCF-style: chr10-69948787-T-G.
Other names: c.2829T>G (NM_032578.2); c.2829T>G, p.Ile943Met (NM_001256267.2); c.1947T>G, p.Ile649Met (NM_001256268.2); short protein forms I649M, I943M.
Identifiers: ClinVar variation 1054018 (VCV001054018.10), dbSNP rs2043467180, ClinGen allele CA376853657.